The following is an entry in ClinVar:

ClinVar aggregate classification (germline): Benign/Likely benign. Review status: criteria provided, multiple submitters, no conflicts (2 of 4 stars). 14 submissions from 10 submitters: Benign (11); Likely benign (1). 2 of the submissions do not count toward it. Last evaluated 2026-02-03.

Conditions:
Hereditary spherocytosis type 3. Also called: Spherocytosis type 3; SPTA1-Related Spherocytosis. Identifiers: Orphanet 822, MedGen C2678338, MONDO:0010053, OMIM 270970.
Elliptocytosis 2 (EL2). Also called: ELLIPTOCYTOSIS, RHESUS-UNLINKED TYPE. Identifiers: Orphanet 288, MedGen C1851741, MONDO:0007533, OMIM 130600.
Pyropoikilocytosis, hereditary. Also called: Pyropoikilocytosis. Identifiers: MedGen C0520739, MONDO:0009948, OMIM 266140, HP:0004839. Disease mechanism: loss of function.

Allele frequency attached by ClinVar (database versions not stated): 1000 Genomes Project 30x 0.96799; 1000 Genomes Project 0.96985; TOPMed 0.97035; gnomAD 0.97164 and 0.97353; ESP Exome Variant Server 0.97313; ExAC 0.99195; gnomAD exomes 0.99313.

Submissions (14):

Labcorp Genetics (formerly Invitae), Labcorp
Classification: Benign. Last evaluated: 2026-02-03. Review status: criteria provided, single submitter. Criteria: Invitae Variant Classification Sherloc (09022015). Collection method: clinical testing. Allele origin: germline.

ARUP Laboratories, Molecular Genetics and Genomics, ARUP Laboratories
Classification: Benign. Last evaluated: 2025-07-31. Review status: criteria provided, single submitter. Criteria: ARUP Molecular Germline Variant Investigation Process 2024. Collection method: clinical testing. Allele origin: germline.

Blueprint Genetics
Classification: Likely benign. Last evaluated: 2024-11-26. Review status: criteria provided, single submitter. Criteria: ACMG Guidelines, 2015. Collection method: clinical testing. Allele origin: germline.

Genome-Nilou Lab
Classification: Benign for Pyropoikilocytosis, hereditary. Last evaluated: 2021-07-15. Review status: criteria provided, single submitter. Criteria: ACMG Guidelines, 2015. Collection method: clinical testing. Allele origin: germline. Affected: no.

Genome-Nilou Lab
Classification: Benign for Hereditary spherocytosis type 3. Last evaluated: 2021-07-15. Review status: criteria provided, single submitter. Criteria: ACMG Guidelines, 2015. Collection method: clinical testing. Allele origin: germline. Affected: no.

Genome-Nilou Lab
Classification: Benign for Elliptocytosis 2. Last evaluated: 2021-07-15. Review status: criteria provided, single submitter. Criteria: ACMG Guidelines, 2015. Collection method: clinical testing. Allele origin: germline. Affected: no.

Illumina Laboratory Services, Illumina
Classification: Benign for Pyropoikilocytosis, hereditary. Last evaluated: 2018-01-12. Review status: criteria provided, single submitter. Criteria: ICSL Variant Classification Criteria 13 December 2019. Collection method: clinical testing. Allele origin: germline.
Comment: This variant was observed in the ICSL laboratory as part of a predisposition screen in an ostensibly healthy population. It had not been previously curated by ICSL or reported in the Human Gene Mutation Database (HGMD: prior to June 1st, 2018), and was therefore a candidate for classification through an automated scoring system. Utilizing variant allele frequency, disease prevalence and penetrance estimates, and inheritance mode, an automated score was calculated to assess if this variant is too frequent to cause the disease. Based on the score and internal cut-off values, a variant classified as benign is not then subjected to further curation. The score for this variant resulted in a classification of benign for this disease.

Illumina Laboratory Services, Illumina
Classification: Benign for Hereditary spherocytosis type 3. Last evaluated: 2018-01-12. Review status: criteria provided, single submitter. Criteria: ICSL Variant Classification Criteria 13 December 2019. Collection method: clinical testing. Allele origin: germline.
Comment: the same text as in the submission from Illumina Laboratory Services, Illumina above.

Illumina Laboratory Services, Illumina
Classification: Benign for Elliptocytosis 2. Last evaluated: 2018-01-12. Review status: criteria provided, single submitter. Criteria: ICSL Variant Classification Criteria 13 December 2019. Collection method: clinical testing. Allele origin: germline.
Comment: the same text as in the submission from Illumina Laboratory Services, Illumina above.

Mayo Clinic Laboratories, Mayo Clinic
Classification: Benign. Last evaluated: 2016-04-15. Review status: criteria provided, single submitter. Criteria: ACMG Guidelines, 2015. Collection method: clinical testing. Allele origin: germline. Observed: 2,401 variant alleles.

Breakthrough Genomics
Classification: Benign. Review status: criteria provided, single submitter. Criteria: ACMG Guidelines, 2015. Collection method: not provided. Allele origin: germline. Inheritance: Autosomal recessive inheritance. Affected: yes.

PreventionGenetics, part of Exact Sciences
Classification: Benign. Review status: criteria provided, single submitter. Criteria: ACMG Guidelines, 2015. Collection method: clinical testing. Allele origin: germline.

Diagnostic Laboratory, Department of Genetics, University Medical Center Groningen
Classification: Benign. Review status: no assertion criteria provided. Collection method: clinical testing. Allele origin: germline. Affected: yes. Study: VKGL Data-share Consensus. Not counted in ClinVar's aggregate classification.

Genome Diagnostics Laboratory, University Medical Center Utrecht
Classification: Benign. Review status: no assertion criteria provided. Collection method: clinical testing. Allele origin: germline. Affected: yes. Study: VKGL Data-share Consensus. Not counted in ClinVar's aggregate classification.

NM_003126.4(SPTA1):c.24+3A>G

Gene: SPTA1 (spectrin alpha, erythrocytic 1; minus strand). Cytogenetic location: 1q23.1.
Variant type: single nucleotide variant.
Coding change: c.24+3A>G on transcript NM_003126.4 (MANE Select); 3 bases into the intron after coding-DNA position 24, A replaced by G.
Molecular consequence: intron variant.
Genome position (GRCh38, 1-based): chr1:158,686,491, T>C on the plus strand (A>G on the coding strand, the complement: SPTA1 is on the minus strand). VCF-style: chr1-158686491-T-C. GRCh37 (hg19) VCF-style: chr1-158656281-T-C.
Other names: p.?.
Identifiers: ClinVar variation 258920 (VCV000258920.36), dbSNP rs2564858, ClinGen allele CA1184294.